The following is an entry in ClinVar:

NM_001754.5(RUNX1):c.*667del

Gene: RUNX1 (RUNX family transcription factor 1; minus strand). Cytogenetic location: 21q22.12.
Variant type: Deletion.
Coding change: c.*667del on transcript NM_001754.5 (MANE Select); 667 bases downstream of the stop codon, one base deleted (G; older notation c.*667delG).
Molecular consequence: 3 prime UTR variant.
Genome position (GRCh38, 1-based): chr21:34,791,468, C deleted on the plus strand (G on the coding strand, the reverse complement: RUNX1 is on the minus strand); the first of 3 consecutive C bases (chr21:34,791,468-34,791,470); deleting any one gives the same sequence. VCF-style (leftmost placement, unchanged base first): chr21-34791467-AC-A. GRCh37 (hg19) VCF-style: chr21-36163764-AC-A.
Other names: c.*667del (NM_001001890.3).
Identifiers: ClinVar variation 339859 (VCV000339859.6), dbSNP rs200576340, ClinGen allele CA10650430.
Genomic context (GRCh38, chr21:34,791,467, plus strand): 5'-AAATGACCCAAAGCTGTAGCTGTTTCTCAAAAAAACAAAACAAAACAAAAAAAAACAACT[AC>A]CCAAAAGTCCAAAAGAAAAGTTAAATAAAACTTAAAGAAAAGGGAATCATATTTCTTTCC-3'

ClinVar aggregate classification (germline): Benign (3 of 4 stars; one submission).

Conditions:
Hereditary thrombocytopenia and hematologic cancer predisposition syndrome. Identifiers: Orphanet 71290, MedGen CN281654, MONDO:0011071.

Submission:

ClinGen Myeloid Malignancy Variant Curation Expert Panel
Classification: Benign for Hereditary thrombocytopenia and hematologic cancer predisposition syndrome. Last evaluated: 2022-01-28. Review status: reviewed by expert panel. Criteria: ClinGen MyeloMalig ACMG Specifications v2. Collection method: curation. Allele origin: germline. Inheritance: Autosomal dominant inheritance.
Comment: NM_001754.5(RUNX1):c.*667del is a 3' UTR variant. This variant has a MAF of 0.01 (1.37%, 569/41428 alleles) in the African/African American subpopulation of the gnomAD v3.1.2 cohort is ≥ 0.0015 (0.15%) (BA1). This variant is reported in 8 homozygotes in gnomAD v3.1.2 (BP2). In summary, this variant meets the criteria to be classified as benign. ACMG/AMP criteria applied, as specified by the Myeloid Malignancy Variant Curation Expert Panel for RUNX1: BA1, BP2